The following is an entry in ClinVar:

ClinVar aggregate classification (germline): Benign (0 of 4 stars; one submission).

Conditions:
WIPI2-related disorder. Also called: WIPI2-related condition.

Allele frequency attached by ClinVar (database versions not stated): 1000 Genomes Project 0.02376; 1000 Genomes Project 30x 0.02467; ExAC 0.03062; gnomAD exomes 0.03065; gnomAD 0.03312; TOPMed 0.03525; ESP Exome Variant Server 0.04037.
gnomAD v4.1: 49,714 of 1,607,430 alleles (3.1%); highest among the groups gnomAD compares: Middle Eastern, 8.2%; 926 homozygotes.

Submission:

PreventionGenetics, part of Exact Sciences
Classification: Benign for WIPI2-related condition. Last evaluated: 2019-10-30. Review status: no assertion criteria provided. Collection method: clinical testing. Allele origin: germline.
Comment: This variant is classified as benign based on ACMG/AMP sequence variant interpretation guidelines (Richards et al. 2015 PMID: 25741868, with internal and published modifications).

NM_015610.4(WIPI2):c.1121+7C>G

Gene: WIPI2 (WD repeat domain, phosphoinositide interacting 2; plus strand). Cytogenetic location: 7p22.1.
Variant type: single nucleotide variant.
Coding change: c.1121+7C>G on transcript NM_015610.4 (MANE Select); 7 bases into the intron after coding-DNA position 1121, C replaced by G.
Molecular consequence: intron variant.
Genome position (GRCh38, 1-based): chr7:5,228,218, C>G. VCF-style: chr7-5228218-C-G. GRCh37 (hg19) VCF-style: chr7-5267849-C-G.
Other names: c.689+7C>G (NM_001278299.2); c.1121+7C>G (NM_001033518.2); c.1067+7C>G (NM_016003.4, NM_001033519.2); c.944+7C>G (NM_001033520.1).
Identifiers: ClinVar variation 3037593 (VCV003037593.2), dbSNP rs11760558, ClinGen allele CA4141969.